The following is an entry in ClinVar:

ClinVar aggregate classification (germline): Likely benign. Review status: criteria provided, multiple submitters, no conflicts (2 of 4 stars). 2 submissions from 2 submitters: Likely benign (2). Last evaluated 2024-04-03.

Conditions:
Fanconi anemia (FA). Also called: Fanconi's anemia. Identifiers: Orphanet 84, MedGen C0015625, MeSH D005199, MONDO:0019391.

Allele frequency attached by ClinVar (database versions not stated): TOPMed below 0.00001; gnomAD exomes 0.00002; ExAC 0.00003.
gnomAD v4.1: 27 of 1,614,176 alleles (0.0017%); highest among the groups gnomAD compares: South Asian, 0.024%; no homozygotes.

Submissions (2):

Labcorp Genetics (formerly Invitae), Labcorp
Classification: Likely benign for Fanconi anemia. Last evaluated: 2024-04-03. Review status: criteria provided, single submitter. Criteria: Invitae Variant Classification Sherloc (09022015). Collection method: clinical testing. Allele origin: germline.

CeGaT Center for Human Genetics Tuebingen
Classification: Likely benign. Last evaluated: 2023-10-01. Review status: criteria provided, single submitter. Criteria: CeGaT Center For Human Genetics Tuebingen Variant Classification Criteria Version 2. Collection method: clinical testing. Allele origin: germline. Affected: yes. Observed: 1 variant allele.
Comment: SLX4: BP4, BP7

NM_032444.4(SLX4):c.846G>A (p.Ser282=)

Gene: SLX4 (SLX4 structure-specific endonuclease subunit; minus strand). Cytogenetic location: 16p13.3.
Variant type: single nucleotide variant.
Coding change: c.846G>A on transcript NM_032444.4 (MANE Select); coding-DNA position 846, G replaced by A.
Protein change: p.Ser282=; no amino-acid change (serine 282 retained).
Molecular consequence: synonymous variant.
Genome position (GRCh38, 1-based): chr16:3,602,222, C>T on the plus strand (G>A on the coding strand, the complement: SLX4 is on the minus strand). VCF-style: chr16-3602222-C-T. GRCh37 (hg19) VCF-style: chr16-3652223-C-T.
Identifiers: ClinVar variation 1139978 (VCV001139978.32), dbSNP rs745750001, ClinGen allele CA7866726.
Genomic context (GRCh38, chr16:3,602,222, plus strand): 5'-GTTCTTTTGACAAATCTGGCAGAAGAACAAACCCTTTTCCTCCAGGCTATCATCATGTGC[C>T]GATGCTCCTACCCGTGCAAACTCCTGCTGCAGGGTCAAGGCCACCGCAGCGTCGCTCTCT-3'
Protein context (NP_115820.2, residues 272-292): LQQEFARVGA[Ser282=]AHDDSLEEKG